The following is an entry in ClinVar:

ClinVar aggregate classification (germline): Likely pathogenic (1 of 4 stars; one submission).

Conditions:
SIN3A-related disorder. Also called: SIN3A-related condition.

Submission:

PreventionGenetics, part of Exact Sciences
Classification: Likely pathogenic for SIN3A-related condition. Last evaluated: 2025-01-09. Review status: criteria provided, single submitter. Criteria: ACMG Guidelines, 2015. Collection method: clinical testing. Allele origin: germline.
Comment: The SIN3A c.3317T>C variant is predicted to result in the amino acid substitution p.Met1106Thr. This variant was reported as de novo in individuals with suspected Witteveen-Kolk syndrome (Coenen-van der Spek et al. 2023. PubMed ID: 36399132; Balasubramanian et al. 2021. PubMed ID: 33437032). This variant was also described in large cohorts of individuals with developmental disorders and/or autism (Kaplanis et al. 2020. PubMed ID: 33057194; Zhou et al. 2022. PubMed ID: 35982159). This variant has not been reported in a large population database (gnomAD), indicating this variant is rare. Taken together, we classify this variant as likely pathogenic.

NM_001145358.2(SIN3A):c.3317T>C (p.Met1106Thr)

Gene: SIN3A (SIN3 transcription regulator family member A; minus strand). Cytogenetic location: 15q24.2.
Variant type: single nucleotide variant.
Coding change: c.3317T>C on transcript NM_001145358.2 (MANE Select); coding-DNA position 3317, T replaced by C.
Protein change: p.Met1106Thr; replaces methionine 1106 with threonine.
Molecular consequence: missense variant.
Genome position (GRCh38, 1-based): chr15:75,380,695, A>G on the plus strand (T>C on the coding strand, the complement: SIN3A is on the minus strand). VCF-style: chr15-75380695-A-G. GRCh37 (hg19) VCF-style: chr15-75673036-A-G.
Other names: c.3317T>C, p.Met1106Thr (NM_001145357.2, NM_001437462.1, NM_001437463.1 and 1 more transcripts); short protein forms M1106T.
Identifiers: ClinVar variation 5000140 (VCV005000140.1).